The following is an entry in ClinVar:

NM_001035.3(RYR2):c.310-5T>G

Gene: RYR2 (ryanodine receptor 2; plus strand). Cytogenetic location: 1q43.
Variant type: single nucleotide variant.
Coding change: c.310-5T>G on transcript NM_001035.3 (MANE Select); 5 bases into the intron before coding-DNA position 310, T replaced by G.
Molecular consequence: intron variant.
Genome position (GRCh38, 1-based): chr1:237,369,529, T>G. VCF-style: chr1-237369529-T-G. GRCh37 (hg19) VCF-style: chr1-237532829-T-G.
Identifiers: ClinVar variation 943665 (VCV000943665.12), dbSNP rs1487803250, ClinGen allele CA345654900.

ClinVar aggregate classification (germline): Conflicting classifications of pathogenicity. Review status: criteria provided, conflicting classifications (1 of 4 stars). 2 submissions from 2 submitters: Uncertain significance (1); Likely benign (1). Last evaluated 2023-04-03.

Conditions:
Catecholaminergic polymorphic ventricular tachycardia 1. Also called: VENTRICULAR TACHYCARDIA, CATECHOLAMINERGIC POLYMORPHIC, 1, WITH OR WITHOUT ATRIAL DYSFUNCTION AND/OR DILATED CARDIOMYOPATHY; VENTRICULAR TACHYCARDIA, STRESS-INDUCED POLYMORPHIC 1; RYR2-Related Catecholaminergic Polymorphic Ventricular Tachycardia. Identifiers: Orphanet 3286, MedGen C1631597, MONDO:0011484, OMIM 604772.
Catecholaminergic polymorphic ventricular tachycardia (CVPT). Also called: Catecholamine-induced polymorphic ventricular tachycardia. Identifiers: Orphanet 3286, MedGen C5574922, MONDO:0017990.

Allele frequency attached by ClinVar (database versions not stated): gnomAD 0.00001.
gnomAD v4.1: 1 of 1,558,384 alleles (0.000064%); highest among the groups gnomAD compares: Non-Finnish European, 0.000087%; no homozygotes.

Submissions (2):

All of Us Research Program, National Institutes of Health
Classification: Uncertain significance for Catecholaminergic polymorphic ventricular tachycardia. Last evaluated: 2023-04-03. Review status: criteria provided, single submitter. Criteria: ACMG Guidelines, 2015. Collection method: clinical testing. Allele origin: germline. Inheritance: Autosomal dominant inheritance. Observed: 1 variant allele, 1 heterozygote.
Comment: This variant causes a T to G nucleotide substitution at the -5 position of intron 5 of the RYR2 gene. To our knowledge, functional studies have not been reported for this variant. This variant has not been reported in individuals affected with RYR2-related disorders in the literature. This variant has been identified in 1/31402 chromosomes in the general population by the Genome Aggregation Database (gnomAD). The available evidence is insufficient to determine the role of this variant in disease conclusively. Therefore, this variant is classified as a Variant of Uncertain Significance.

This study involves interpretation of variants in research participants for the purpose of population health screening. Participant phenotype was not available at the time of variant classification. Additional details can be found in publication PMID: 35346344, PMCID: PMC8962531

Labcorp Genetics (formerly Invitae), Labcorp
Classification: Likely benign for Catecholaminergic polymorphic ventricular tachycardia 1. Last evaluated: 2022-12-06. Review status: criteria provided, single submitter. Criteria: Invitae Variant Classification Sherloc (09022015). Collection method: clinical testing. Allele origin: germline.